The following is an entry in ClinVar:

NM_007215.4(POLG2):c.16G>C (p.Ala6Pro)

Genes: MILR1 (mast cell immunoglobulin like receptor 1; plus strand), POLG2 (DNA polymerase gamma 2, accessory subunit; minus strand). Cytogenetic location: 17q23.3.
Variant type: single nucleotide variant.
Coding change: c.16G>C on transcript NM_007215.4 (MANE Select); coding-DNA position 16, G replaced by C.
Protein change: p.Ala6Pro; replaces alanine 6 with proline.
Molecular consequence: missense variant.
Genome position (GRCh38, 1-based): chr17:64,496,953, C>G on the plus strand (G>C on the coding strand, the complement: POLG2 is on the minus strand). VCF-style: chr17-64496953-C-G. GRCh37 (hg19) VCF-style: chr17-62493071-C-G.
Other names: short protein forms A6P.
Identifiers: ClinVar variation 2844848 (VCV002844848.3), dbSNP rs373387408, ClinGen allele CA400641823.
Genomic context (GRCh38, chr17:64,496,953, plus strand): 5'-CTACTCGACCCCCAAACCCAGACAACAGGCACCTGCAGACCTTATGGCAGGCCCTGACGG[C>G]TACACGAGAGCGCATCTCTCTCCGAAGTTAAAGAGCACACTCTCCCATCACTCAACGGAT-3'
Protein context (NP_009146.2, residues 1-16): MRSRV[Ala6Pro]VRACHKVCRC

ClinVar aggregate classification (germline): Uncertain significance (1 of 4 stars; one submission).

gnomAD v4.1: 1 of 1,607,008 alleles (0.000062%); highest among the groups gnomAD compares: Non-Finnish European, 0.000085%; no homozygotes.

Submission:

Labcorp Genetics (formerly Invitae), Labcorp
Classification: Uncertain significance. Last evaluated: 2024-11-19. Review status: criteria provided, single submitter. Criteria: Invitae Variant Classification Sherloc (09022015). Collection method: clinical testing. Allele origin: germline.
Comment: This sequence change replaces alanine, which is neutral and non-polar, with proline, which is neutral and non-polar, at codon 6 of the POLG2 protein (p.Ala6Pro). This variant is not present in population databases (gnomAD no frequency). This variant has not been reported in the literature in individuals affected with POLG2-related conditions. ClinVar contains an entry for this variant (Variation ID: 2844848). An algorithm developed to predict the effect of missense changes on protein structure and function (PolyPhen-2) suggests that this variant is likely to be tolerated. In summary, the available evidence is currently insufficient to determine the role of this variant in disease. Therefore, it has been classified as a Variant of Uncertain Significance.